The following is an entry in ClinVar:

ClinVar aggregate classification (germline): Uncertain significance. Review status: criteria provided, multiple submitters, no conflicts (2 of 4 stars). 2 submissions from 2 submitters: Uncertain significance (2). Last evaluated 2025-08-08.

Conditions:
Spastic paraplegia. Identifiers: MedGen C0037772, HP:0001258.
Inborn genetic diseases. Identifiers: MedGen C0950123, MeSH D030342.

Allele frequency attached by ClinVar (database versions not stated): gnomAD 0.00002; TOPMed 0.00002; ExAC 0.00003; gnomAD exomes 0.00007; ESP Exome Variant Server 0.00008.
gnomAD v4.1: 100 of 1,613,426 alleles (0.0062%); highest among the groups gnomAD compares: Non-Finnish European, 0.0081%; no homozygotes.

Submissions (2):

Ambry Genetics
Classification: Uncertain significance for Inborn genetic diseases. Last evaluated: 2025-08-08. Review status: criteria provided, single submitter. Criteria: Ambry Variant Classification Scheme 2023. Collection method: clinical testing. Allele origin: germline.

Labcorp Genetics (formerly Invitae), Labcorp
Classification: Uncertain significance for Spastic paraplegia. Last evaluated: 2023-10-10. Review status: criteria provided, single submitter. Criteria: Invitae Variant Classification Sherloc (09022015). Collection method: clinical testing. Allele origin: germline.
Comment: This sequence change replaces proline, which is neutral and non-polar, with serine, which is neutral and polar, at codon 310 of the RTN2 protein (p.Pro310Ser). This variant is present in population databases (rs375955561, gnomAD 0.004%). This variant has not been reported in the literature in individuals affected with RTN2-related conditions. An algorithm developed to predict the effect of missense changes on protein structure and function (PolyPhen-2) suggests that this variant is likely to be tolerated. In summary, the available evidence is currently insufficient to determine the role of this variant in disease. Therefore, it has been classified as a Variant of Uncertain Significance.

NM_005619.5(RTN2):c.928C>T (p.Pro310Ser)

Genes: OPA3-RTN2 (OPA3-RTN2 readthrough; minus strand), RTN2 (reticulon 2; minus strand). Cytogenetic location: 19q13.32.
Variant type: single nucleotide variant.
Coding change: c.928C>T on transcript NM_005619.5 (MANE Select); coding-DNA position 928, C replaced by T.
Protein change: p.Pro310Ser; replaces proline 310 with serine.
Molecular consequence: missense variant. On other transcripts: intron variant (1).
Genome position (GRCh38, 1-based): chr19:45,493,265, G>A on the plus strand (C>T on the coding strand, the complement: RTN2 is on the minus strand). VCF-style: chr19-45493265-G-A. GRCh37 (hg19) VCF-style: chr19-45996523-G-A.
Other names: c.814+901C>T (NM_206900.3); c.928C>T (NM_005619.3); short protein forms P310S.
Identifiers: ClinVar variation 2715916 (VCV002715916.4), dbSNP rs375955561, ClinGen allele CA9516134.